The following is an entry in ClinVar:

ClinVar aggregate classification (germline): Likely benign. Review status: reviewed by expert panel (3 of 4 stars). 5 submissions from 5 submitters: Likely benign (1). 4 of the submissions do not count toward it. Last evaluated 2023-02-18.

Conditions:
Hereditary cancer-predisposing syndrome. Also called: Tumor predisposition; Neoplastic Syndromes, Hereditary; Hereditary neoplastic syndrome; Hereditary Cancer Syndrome. Identifiers: Orphanet 140162, MedGen C0027672, MeSH D009386, MONDO:0015356.
Familial adenomatous polyposis 1 (FAP1). Also called: POLYPOSIS, ADENOMATOUS INTESTINAL; FAMILIAL ADENOMATOUS POLYPOSIS 1, ATTENUATED. Identifiers: MedGen C2713442, MONDO:0021056, OMIM 175100. Disease mechanism: loss of function.

Submissions (5):

ClinGen InSiGHT Hereditary Colorectal Cancer/Polyposis Variant Curation Expert Panel
Classification: Likely benign for Familial adenomatous polyposis 1. Last evaluated: 2023-02-18. Review status: reviewed by expert panel. Criteria: ClinGen InSiGHT HCCP VCEP ACMG Specifications APC V1. Collection method: curation. Allele origin: germline. Inheritance: Autosomal dominant inheritance.
Comment: The c.123A>G (p.Ala41=) variant in APC is synonymous (silent) variant that is not predicted by SpliceAI and VarSEAK to impact splicing (BP4 and BP7 met). This variant is absent from gnomAD v2.1.1 (PM2_supporting). This variant has been observed in heterozygous state in 1 healthy adult individual worth 0.5 healthy individual points in total (BS2_supporting not met; Invitae internal data). In summary, this variant meets the criteria to be classified as Likely Benign for FAP based on the ACMG/AMP criteria applied, as specified by the ClinGen InSiGHT Hereditary Colorectal Cancer/Polyposis Variant Curation Expert Panel: BP4, BP7 (VCEP specifications version 1; date of approval 12/12/2022).

Myriad Genetics, Inc.
Classification: Benign for Familial adenomatous polyposis 1. Last evaluated: 2024-02-22. Review status: criteria provided, single submitter. Criteria: Myriad Autosomal Dominant, Autosomal Recessive and X-Linked Classification Criteria (2023). Collection method: clinical testing. Allele origin: unknown. Not counted in ClinVar's aggregate classification.
Comment: This variant is considered benign. This variant is a silent/synonymous amino acid change and it is not expected to impact splicing.

Labcorp Genetics (formerly Invitae), Labcorp
Classification: Likely benign for Familial adenomatous polyposis 1. Last evaluated: 2023-09-08. Review status: criteria provided, single submitter. Criteria: Invitae Variant Classification Sherloc (09022015). Collection method: clinical testing. Allele origin: germline. Not counted in ClinVar's aggregate classification.

Ambry Genetics
Classification: Likely benign for Hereditary cancer-predisposing syndrome. Last evaluated: 2023-02-24. Review status: criteria provided, single submitter. Criteria: Ambry Variant Classification Scheme 2023. Collection method: clinical testing. Allele origin: germline. Not counted in ClinVar's aggregate classification.

Color Diagnostics, LLC DBA Color Health
Classification: Likely benign for Hereditary cancer-predisposing syndrome. Last evaluated: 2018-01-25. Review status: criteria provided, single submitter. Criteria: ACMG Guidelines, 2015. Collection method: clinical testing. Allele origin: germline. Not counted in ClinVar's aggregate classification.

NM_000038.6(APC):c.123A>G (p.Ala41=)

Gene: APC (APC regulator of Wnt signaling pathway; plus strand). Cytogenetic location: 5q22.2.
Variant type: single nucleotide variant.
Coding change: c.123A>G on transcript NM_000038.6 (MANE Select); coding-DNA position 123, A replaced by G.
Protein change: p.Ala41=; no amino-acid change (alanine 41 retained).
Molecular consequence: synonymous variant. On other transcripts: 5 prime UTR variant (1), intron variant (8).
Genome position (GRCh38, 1-based): chr5:112,755,013, A>G. VCF-style: chr5-112755013-A-G. GRCh37 (hg19) VCF-style: chr5-112090710-A-G.
Other names: NM_000038.6(APC):c.123A>G; p.Ala41=; c.123A>G, p.Ala41= (NM_001127510.3, NM_001354895.2, NM_001354896.2 and 2 more transcripts); c.-913A>G (NM_001354906.2); c.166-11313A>G (NM_001354897.2, NM_001354902.2, NM_001127511.3); c.61-11313A>G (NM_001354898.2, NM_001354904.2); c.-42-11313A>G (NM_001354900.2, NM_001354901.2, NM_001354905.2).
Identifiers: ClinVar variation 631238 (VCV000631238.17), dbSNP rs1561445056, ClinGen allele CA445752659.
Genomic context (GRCh38, chr5:112,755,013, plus strand): 5'-AAATCTTCGACAAGAGCTAGAAGATAATTCCAATCATCTTACAAAACTGGAAACTGAGGC[A>G]TCTAATATGAAGGTATCAAGACTGTGACTTTTAATTGTAGTTTATCCATTTTTATTCAGT-3'
Protein context (NP_000029.2, residues 31-51): SNHLTKLETE[Ala41=]SNMKEVLKQL